The following is an entry in ClinVar:

NM_004727.3(SLC24A1):c.62A>G (p.His21Arg)

Gene: SLC24A1 (solute carrier family 24 member 1; plus strand). Cytogenetic location: 15q22.31.
Variant type: single nucleotide variant.
Coding change: c.62A>G on transcript NM_004727.3 (MANE Select); coding-DNA position 62, A replaced by G.
Protein change: p.His21Arg; replaces histidine 21 with arginine.
Molecular consequence: missense variant.
Genome position (GRCh38, 1-based): chr15:65,624,142, A>G. VCF-style: chr15-65624142-A-G. GRCh37 (hg19) VCF-style: chr15-65916480-A-G.
Other names: c.62A>G, p.His21Arg (NM_001301031.1, NM_001301032.1, NM_001301033.2); short protein forms H21R.
Identifiers: ClinVar variation 1417519 (VCV001417519.3), dbSNP rs1196355931, ClinGen allele CA392912325.

ClinVar aggregate classification (germline): Uncertain significance (1 of 4 stars; one submission).

Submission:

Labcorp Genetics (formerly Invitae), Labcorp
Classification: Uncertain significance. Last evaluated: 2022-09-01. Review status: criteria provided, single submitter. Criteria: Invitae Variant Classification Sherloc (09022015). Collection method: clinical testing. Allele origin: germline.
Comment: This sequence change replaces histidine, which is basic and polar, with arginine, which is basic and polar, at codon 21 of the SLC24A1 protein (p.His21Arg). This variant is not present in population databases (gnomAD no frequency). This variant has not been reported in the literature in individuals affected with SLC24A1-related conditions. Algorithms developed to predict the effect of missense changes on protein structure and function output the following: SIFT: "Tolerated"; PolyPhen-2: "Benign"; Align-GVGD: "Class C0". The arginine amino acid residue is found in multiple mammalian species, which suggests that this missense change does not adversely affect protein function. In summary, the available evidence is currently insufficient to determine the role of this variant in disease. Therefore, it has been classified as a Variant of Uncertain Significance.